The following is an entry in ClinVar:

NM_000032.5(ALAS2):c.509G>T (p.Arg170Leu)

Gene: ALAS2 (5'-aminolevulinate synthase 2; minus strand). Cytogenetic location: Xp11.21.
Variant type: single nucleotide variant.
Coding change: c.509G>T on transcript NM_000032.5 (MANE Select); coding-DNA position 509, G replaced by T.
Protein change: p.Arg170Leu; replaces arginine 170 with leucine.
Molecular consequence: missense variant.
Genome position (GRCh38, 1-based): chrX:55,021,181, C>A on the plus strand (G>T on the coding strand, the complement: ALAS2 is on the minus strand). VCF-style: chrX-55021181-C-A. GRCh37 (hg19) VCF-style: chrX-55047614-C-A.
Other names: c.398G>T, p.Arg133Leu (NM_001037967.4); c.470G>T, p.Arg157Leu (NM_001037968.4); short protein forms R133L, R170L, R157L.
Identifiers: ClinVar variation 4710776 (VCV004710776.1).

ClinVar aggregate classification (germline): Pathogenic (1 of 4 stars; one submission).

gnomAD v4.1: 1 of 1,211,381 alleles (0.000083%); highest among the groups gnomAD compares: African/African-American, 0.0017%; no homozygotes.

Submission:

Labcorp Genetics (formerly Invitae), Labcorp
Classification: Pathogenic. Last evaluated: 2025-06-27. Review status: criteria provided, single submitter. Criteria: Invitae Variant Classification Sherloc (09022015). Collection method: clinical testing. Allele origin: germline.
Comment: This sequence change replaces arginine, which is basic and polar, with leucine, which is neutral and non-polar, at codon 170 of the ALAS2 protein (p.Arg170Leu). This variant is not present in population databases (gnomAD no frequency). This missense change has been observed in individual(s) with X-linked congenital sideroblastic anemia (PMID: 9688293, 22983749). Invitae Evidence Modeling of protein sequence and biophysical properties (such as structural, functional, and spatial information, amino acid conservation, physicochemical variation, residue mobility, and thermodynamic stability) indicates that this missense variant is expected to disrupt ALAS2 protein function with a positive predictive value of 95%. Experimental studies have shown that this missense change affects ALAS2 function (PMID: 22983749). This variant disrupts the p.Arg170 amino acid residue in ALAS2. Other variant(s) that disrupt this residue have been determined to be pathogenic (PMID: 19731322, 22983749, 28102861). This suggests that this residue is clinically significant, and that variants that disrupt this residue are likely to be disease-causing. For these reasons, this variant has been classified as Pathogenic.

Literature cited by the submitters: PubMed 9688293; PubMed 22983749; PubMed 19731322; PubMed 28102861.